The following is an entry in ClinVar:

ClinVar aggregate classification (germline): Likely benign (1 of 4 stars; one submission).

gnomAD v4.1: 7 of 1,613,014 alleles (0.00043%); highest among the groups gnomAD compares: South Asian, 0.0011%; no homozygotes.

Submission:

CeGaT Center for Human Genetics Tuebingen
Classification: Likely benign. Last evaluated: 2026-06-01. Review status: criteria provided, single submitter. Criteria: CeGaT Center For Human Genetics Tuebingen Variant Classification Criteria Version 2. Collection method: clinical testing. Allele origin: germline. Affected: yes. Observed: 1 variant allele.
Comment: CANT1: BP4, BP7

NM_001159773.2(CANT1):c.984C>T (p.Gly328=)

Gene: CANT1 (calcium activated nucleotidase 1; minus strand). Cytogenetic location: 17q25.3.
Variant type: single nucleotide variant.
Coding change: c.984C>T on transcript NM_001159773.2 (MANE Select); coding-DNA position 984, C replaced by T.
Protein change: p.Gly328=; no amino-acid change (glycine 328 retained).
Molecular consequence: synonymous variant.
Genome position (GRCh38, 1-based): chr17:78,993,772, G>A on the plus strand (C>T on the coding strand, the complement: CANT1 is on the minus strand). VCF-style: chr17-78993772-G-A. GRCh37 (hg19) VCF-style: chr17-76989854-G-A.
Other names: c.984C>T, p.Gly328= (NM_001159772.2, NM_138793.4).
Identifiers: ClinVar variation 4874259 (VCV004874259.2).